The following is an entry in ClinVar:

NM_001972.4(ELANE):c.597+5G>C

Gene: ELANE (elastase, neutrophil expressed; plus strand). Cytogenetic location: 19p13.3.
Variant type: single nucleotide variant.
Coding change: c.597+5G>C on transcript NM_001972.4 (MANE Select); 5 bases into the intron after coding-DNA position 597, G replaced by C.
Molecular consequence: intron variant.
Genome position (GRCh38, 1-based): chr19:855,799, G>C. VCF-style: chr19-855799-G-C. GRCh37 (hg19) VCF-style: chr19-855799-G-C.
Identifiers: ClinVar variation 2940800 (VCV002940800.3), dbSNP rs879253882, ClinGen allele CA2740091834.
Genomic context (GRCh38, chr19:855,799, plus strand): 5'-GCCGTCGCAGCAACGTCTGCACTCTCGTGAGGGGCCGGCAGGCCGGCGTCTGTTTCGTAC[G>C]TGCCCTGGGTGTCCCTCTGCTCCCCACCCGCTCCCAGCCCGGACTGCAGCAACAGGCACC-3'

ClinVar aggregate classification (germline): Uncertain significance (1 of 4 stars; one submission).

Conditions:
Neutropenia, severe congenital, 1, autosomal dominant. Identifiers: MedGen C1859966, MONDO:0042490, OMIM 202700.
Cyclical neutropenia. Also called: Cyclic hematopoiesis; Cyclic Neutropenia. Identifiers: Orphanet 2686, MedGen C0221023, MONDO:0008090, OMIM 162800, HP:0040289. Disease mechanism: loss of function.

Submission:

Labcorp Genetics (formerly Invitae), Labcorp
Classification: Uncertain significance for Neutropenia, severe congenital, 1, autosomal dominant; Cyclical neutropenia. Last evaluated: 2023-05-13. Review status: criteria provided, single submitter. Criteria: Invitae Variant Classification Sherloc (09022015). Collection method: clinical testing. Allele origin: germline.
Comment: In summary, the available evidence is currently insufficient to determine the role of this variant in disease. Therefore, it has been classified as a Variant of Uncertain Significance. This variant disrupts the c.597+5 nucleotide in the ELANE gene. Other variant(s) that disrupt this nucleotide have been determined to be pathogenic (PMID: 10581030, 20049848, 23463630, 30040071). This suggests that this nucleotide is clinically significant, and that variants that disrupt this position are likely to be disease-causing. Variants that disrupt the consensus splice site are a relatively common cause of aberrant splicing (PMID: 17576681, 9536098). Algorithms developed to predict the effect of sequence changes on RNA splicing suggest that this variant may disrupt the consensus splice site. This sequence change falls in intron 4 of the ELANE gene. It does not directly change the encoded amino acid sequence of the ELANE protein. It affects a nucleotide within the consensus splice site. This variant is not present in population databases (gnomAD no frequency). This variant has not been reported in the literature in individuals affected with ELANE-related conditions.

Literature cited by the submitters: PubMed 10581030; PubMed 20049848; PubMed 23463630; PubMed 30040071; PubMed 17576681; PubMed 9536098.